The following is an entry in ClinVar:

ClinVar aggregate classification (germline): Uncertain significance. Review status: criteria provided, multiple submitters, no conflicts (2 of 4 stars). 2 submissions from 2 submitters: Uncertain significance (2). Last evaluated 2026-07-14.

Conditions:
Inborn genetic diseases. Identifiers: MedGen C0950123, MeSH D030342.

gnomAD v4.1: 1 of 1,593,954 alleles (0.000063%); highest among the groups gnomAD compares: Non-Finnish European, 0.000086%; no homozygotes.

Submissions (2):

Ambry Genetics
Classification: Uncertain significance for Inborn genetic diseases. Last evaluated: 2026-07-14. Review status: criteria provided, single submitter. Criteria: Ambry Variant Classification Scheme 2023. Collection method: clinical testing. Allele origin: germline.
Comment: The c.5198T>C (p.I1733T) alteration is located in exon 17 (coding exon 17) of the KMT2A gene. This alteration results from a T to C substitution at nucleotide position 5198, causing the isoleucine (I) at amino acid position 1733 to be replaced by a threonine (T). Based on data from gnomAD, the C allele has an overall frequency of 0.003% (1/31408) total alleles studied. The highest observed frequency was 0.007% (1/15432) of European (non-Finnish) alleles. Based on insufficient or conflicting evidence, the clinical significance of this alteration remains unclear.

Labcorp Genetics (formerly Invitae), Labcorp
Classification: Uncertain significance. Last evaluated: 2026-01-20. Review status: criteria provided, single submitter. Criteria: Invitae Variant Classification Sherloc (09022015). Collection method: clinical testing. Allele origin: germline.
Comment: This sequence change replaces isoleucine, which is neutral and non-polar, with threonine, which is neutral and polar, at codon 1733 of the KMT2A protein (p.Ile1733Thr). This variant is present in population databases (no rsID available, gnomAD 0.007%). This variant has not been reported in the literature in individuals affected with KMT2A-related conditions. Invitae Evidence Modeling of protein sequence and biophysical properties (such as structural, functional, and spatial information, amino acid conservation, physicochemical variation, residue mobility, and thermodynamic stability) indicates that this missense variant is not expected to disrupt KMT2A protein function with a negative predictive value of 95%. In summary, the available evidence is currently insufficient to determine the role of this variant in disease. Therefore, it has been classified as a Variant of Uncertain Significance.

NM_001197104.2(KMT2A):c.5198T>C (p.Ile1733Thr)

Gene: KMT2A (lysine methyltransferase 2A; plus strand). Cytogenetic location: 11q23.3.
Variant type: single nucleotide variant.
Coding change: c.5198T>C on transcript NM_001197104.2 (MANE Select); coding-DNA position 5198, T replaced by C.
Protein change: p.Ile1733Thr; replaces isoleucine 1733 with threonine.
Molecular consequence: missense variant.
Genome position (GRCh38, 1-based): chr11:118,494,307, T>C. VCF-style: chr11-118494307-T-C. GRCh37 (hg19) VCF-style: chr11-118365022-T-C.
Other names: c.5288T>C, p.Ile1763Thr (NM_001412597.1); c.5189T>C, p.Ile1730Thr (NM_005933.4); short protein forms I1730T, I1763T, I1733T.
Identifiers: ClinVar variation 4742248 (VCV004742248.2).
Genomic context (GRCh38, chr11:118,494,307, plus strand): 5'-CACTGTTTTAAGAATAATTAACATTTTGTTTTTGTATACAGTTGGAGTTCAGTGATGATA[T>C]TGTGAAGATCATTCAAGCAGCCATTAATTCAGATGGAGGACAGCCAGAAATTAAAAAAGC-3'
Protein context (NP_001184033.1, residues 1723-1743): YTSVLEFSDD[Ile1733Thr]VKIIQAAINS